The following is an entry in ClinVar:

ClinVar aggregate classification (germline): Uncertain significance (1 of 4 stars; one submission).

Conditions:
Chédiak-Higashi syndrome (CHS). Also called: Chediak-Higashi Syndrome. Identifiers: Orphanet 167, MedGen C0007965, MONDO:0008963, OMIM 214500.

Allele frequency attached by ClinVar (database versions not stated): gnomAD exomes below 0.00001; ExAC 0.00001; gnomAD 0.00001.
gnomAD v4.1: 3 of 1,613,918 alleles (0.00019%); highest among the groups gnomAD compares: Non-Finnish European, 0.00017%; no homozygotes.

Submission:

Labcorp Genetics (formerly Invitae), Labcorp
Classification: Uncertain significance for Chédiak-Higashi syndrome. Last evaluated: 2025-06-22. Review status: criteria provided, single submitter. Criteria: Invitae Variant Classification Sherloc (09022015). Collection method: clinical testing. Allele origin: germline.
Comment: This sequence change replaces methionine, which is neutral and non-polar, with valine, which is neutral and non-polar, at codon 452 of the LYST protein (p.Met452Val). This variant is present in population databases (rs767084043, gnomAD 0.0009%). This variant has not been reported in the literature in individuals affected with LYST-related conditions. ClinVar contains an entry for this variant (Variation ID: 2780629). Invitae Evidence Modeling of protein sequence and biophysical properties (such as structural, functional, and spatial information, amino acid conservation, physicochemical variation, residue mobility, and thermodynamic stability) indicates that this missense variant is not expected to disrupt LYST protein function with a negative predictive value of 80%. In summary, the available evidence is currently insufficient to determine the role of this variant in disease. Therefore, it has been classified as a Variant of Uncertain Significance.

NM_000081.4(LYST):c.1354A>G (p.Met452Val)

Gene: LYST (lysosomal trafficking regulator; minus strand). Cytogenetic location: 1q42.3.
Variant type: single nucleotide variant.
Coding change: c.1354A>G on transcript NM_000081.4 (MANE Select); coding-DNA position 1354, A replaced by G.
Protein change: p.Met452Val; replaces methionine 452 with valine.
Molecular consequence: missense variant.
Genome position (GRCh38, 1-based): chr1:235,809,464, T>C on the plus strand (A>G on the coding strand, the complement: LYST is on the minus strand). VCF-style: chr1-235809464-T-C. GRCh37 (hg19) VCF-style: chr1-235972764-T-C.
Other names: c.1354A>G, p.Met452Val (NM_001301365.1); short protein forms M452V.
Identifiers: ClinVar variation 2780629 (VCV002780629.3), dbSNP rs767084043, ClinGen allele CA1467482.